The following is an entry in ClinVar:

NM_001291415.2(KDM6A):c.3919C>T (p.Arg1307Trp)

Gene: KDM6A (lysine demethylase 6A; plus strand). Cytogenetic location: Xp11.3.
Variant type: single nucleotide variant.
Coding change: c.3919C>T on transcript NM_001291415.2 (MANE Select); coding-DNA position 3919, C replaced by T.
Protein change: p.Arg1307Trp; replaces arginine 1307 with tryptophan.
Molecular consequence: missense variant. On other transcripts: non-coding transcript variant (1).
Genome position (GRCh38, 1-based): chrX:45,090,749, C>T. VCF-style: chrX-45090749-C-T. GRCh37 (hg19) VCF-style: chrX-44949994-C-T.
Other names: c.3784C>T, p.Arg1262Trp (NM_001291416.2); c.3628C>T, p.Arg1210Trp (NM_001291417.2); c.3526C>T, p.Arg1176Trp (NM_001291418.2); c.2875C>T, p.Arg959Trp (NM_001291421.2); c.3763C>T, p.Arg1255Trp (NM_021140.4); short protein forms R1255W, R1307W, R1262W, R1176W, R959W, R1210W.
Identifiers: ClinVar variation 565844 (VCV000565844.8), dbSNP rs1450363794, ClinGen allele CA412808076.
Genomic context (GRCh38, chrX:45,090,749, plus strand): 5'-TGGGTTGCTTTATAACTGTTTTTTTTTTTCCTAGCCTGCCAGTATAAATTGGCAGTGGAA[C>T]GGTACGAATGGAACAAATTGCAAAGTGTGAAGTCAATAGTACCCATGGTTCATCTTTCCT-3'
Protein context (NP_001278344.1, residues 1297-1317): TACQYKLAVE[Arg1307Trp]YEWNKLQSVK

ClinVar aggregate classification (germline): Pathogenic (1 of 4 stars; one submission).

Conditions:
Kabuki syndrome 2 (KABUK2). Also called: KDM6A-Related Kabuki Syndrome. Identifiers: Orphanet 2322, MedGen C3275495, MONDO:0010465, OMIM 300867.

Allele frequency attached by ClinVar (database versions not stated): gnomAD exomes below 0.00001.

Submission:

Labcorp Genetics (formerly Invitae), Labcorp
Classification: Pathogenic for Kabuki syndrome 2. Last evaluated: 2023-11-28. Review status: criteria provided, single submitter. Criteria: Invitae Variant Classification Sherloc (09022015). Collection method: clinical testing. Allele origin: germline.
Comment: This sequence change replaces arginine, which is basic and polar, with tryptophan, which is neutral and slightly polar, at codon 1255 of the KDM6A protein (p.Arg1255Trp). The frequency data for this variant in the population databases is considered unreliable, as metrics indicate poor data quality at this position in the gnomAD database. This missense change has been observed in individual(s) with Kabuki syndrome (PMID: 27302555; Invitae). In at least one individual the variant was observed to be de novo. ClinVar contains an entry for this variant (Variation ID: 565844). Advanced modeling of protein sequence and biophysical properties (such as structural, functional, and spatial information, amino acid conservation, physicochemical variation, residue mobility, and thermodynamic stability) has been performed at Invitae for this missense variant, however the output from this modeling did not meet the statistical confidence thresholds required to predict the impact of this variant on KDM6A protein function. For these reasons, this variant has been classified as Pathogenic.

Literature cited by the submitters: PubMed 27302555.